The following is an entry in ClinVar:

ClinVar aggregate classification (germline): Pathogenic (1 of 4 stars; one submission).

Conditions:
Alstrom syndrome (ALMS). Identifiers: Orphanet 64, MedGen C0268425, MONDO:0008763, OMIM 203800.

Submission:

Labcorp Genetics (formerly Invitae), Labcorp
Classification: Pathogenic for Alstrom syndrome. Last evaluated: 2023-06-02. Review status: criteria provided, single submitter. Criteria: Invitae Variant Classification Sherloc (09022015). Collection method: clinical testing. Allele origin: germline.
Comment: For these reasons, this variant has been classified as Pathogenic. This variant has not been reported in the literature in individuals affected with ALMS1-related conditions. This variant is not present in population databases (gnomAD no frequency). This sequence change creates a premature translational stop signal (p.His1116Serfs*3) in the ALMS1 gene. It is expected to result in an absent or disrupted protein product. Loss-of-function variants in ALMS1 are known to be pathogenic (PMID: 17594715).

Literature cited by the submitters: PubMed 17594715.

NM_001378454.1(ALMS1):c.3340_3341del (p.His1115fs)

Gene: ALMS1 (ALMS1 centrosome and basal body associated protein; plus strand). Cytogenetic location: 2p13.1.
Variant type: Microsatellite.
Coding change: c.3340_3341del on transcript NM_001378454.1 (MANE Select); coding-DNA positions 3340 to 3341, 2 bases deleted (AG; older notation c.3340_3341delAG).
Protein change: p.His1115fs; shifts the reading frame from histidine 1115.
Molecular consequence: frameshift variant.
Genome position (GRCh38, 1-based): chr2:73,449,867-73,449,868, AG deleted; deleting any 2 consecutive bases within chr2:73,449,863-73,449,868 gives the same sequence; the c. name uses the placement nearest the transcript's 3' end. VCF-style (leftmost placement, unchanged base first): chr2-73449862-CAG-C. GRCh37 (hg19) VCF-style: chr2-73676989-CAG-C.
Other names: c.3343_3344del, p.His1116fs (NM_015120.4); short protein forms H1115fs, H1116fs.
Identifiers: ClinVar variation 2972412 (VCV002972412.3), dbSNP rs2466097825, ClinGen allele CA913090782.